The following is an entry in ClinVar:

ClinVar aggregate classification (germline): Pathogenic (1 of 4 stars; one submission).

Conditions:
Jeune thoracic dystrophy. Also called: Short-rib thoracic dysplasia; Infantile thoracic dystrophy; Thoracic pelvic phalangeal dystrophy; Jeune's syndrome; Chondroectodermal dysplasia-like syndrome; Jeune syndrome. Identifiers: Orphanet 474, MedGen C0265275, MONDO:0018770.

Submission:

Labcorp Genetics (formerly Invitae), Labcorp
Classification: Pathogenic for Jeune thoracic dystrophy. Last evaluated: 2023-06-23. Review status: criteria provided, single submitter. Criteria: Invitae Variant Classification Sherloc (09022015). Collection method: clinical testing. Allele origin: germline.
Comment: For these reasons, this variant has been classified as Pathogenic. This variant has not been reported in the literature in individuals affected with DYNC2H1-related conditions. This variant is not present in population databases (gnomAD no frequency). This sequence change creates a premature translational stop signal (p.His1768Glnfs*5) in the DYNC2H1 gene. It is expected to result in an absent or disrupted protein product. Loss-of-function variants in DYNC2H1 are known to be pathogenic (PMID: 23339108, 32753734).

Literature cited by the submitters: PubMed 23339108; PubMed 32753734.

NM_001377.3(DYNC2H1):c.5304_5305del (p.His1768fs)

Gene: DYNC2H1 (dynein cytoplasmic 2 heavy chain 1; plus strand). Cytogenetic location: 11q22.3.
Variant type: Deletion.
Coding change: c.5304_5305del on transcript NM_001377.3 (MANE Select); coding-DNA positions 5304 to 5305, 2 bases deleted (TA; older notation c.5304_5305delTA).
Protein change: p.His1768fs; shifts the reading frame from histidine 1768.
Molecular consequence: frameshift variant.
Genome position (GRCh38, 1-based): chr11:103,171,038-103,171,039, TA deleted; deleting any 2 consecutive bases within chr11:103,171,037-103,171,039 gives the same sequence; the c. name uses the placement nearest the transcript's 3' end. VCF-style (leftmost placement, unchanged base first): chr11-103171036-CAT-C. GRCh37 (hg19) VCF-style: chr11-103041765-CAT-C.
Other names: c.5304_5305del, p.His1768fs (NM_001080463.2); short protein forms H1768fs.
Identifiers: ClinVar variation 2986481 (VCV002986481.3), dbSNP rs2497141506, ClinGen allele CA2615744398.